The following is an entry in ClinVar:

NM_198253.3(TERT):c.973T>G (p.Tyr325Asp)

Gene: TERT (telomerase reverse transcriptase; minus strand). Cytogenetic location: 5p15.33.
Variant type: single nucleotide variant.
Coding change: c.973T>G on transcript NM_198253.3 (MANE Select); coding-DNA position 973, T replaced by G.
Protein change: p.Tyr325Asp; replaces tyrosine 325 with aspartic acid.
Molecular consequence: missense variant. On other transcripts: non-coding transcript variant (2).
Genome position (GRCh38, 1-based): chr5:1,293,913, A>C on the plus strand (T>G on the coding strand, the complement: TERT is on the minus strand). VCF-style: chr5-1293913-A-C. GRCh37 (hg19) VCF-style: chr5-1294028-A-C.
Other names: c.973T>G, p.Tyr325Asp (NM_001193376.3); short protein forms Y325D.
Identifiers: ClinVar variation 662563 (VCV000662563.10), dbSNP rs1579597164, ClinGen allele CA359056046.
Genomic context (GRCh38, chr5:1,293,913, plus strand): 5'-AGGAGGGCCGCAGCTGCTCCTTGTCGCCTGAGGAGTAGAGGAAGTGCTTGGTCTCGGCGT[A>C]CACCGGGGGACAAGGCGTGTCCCAGGGACGTGGTGGCCGCGATGTGGATGGGGGGCCCGC-3'
Protein context (NP_937983.2, residues 315-335): RPWDTPCPPV[Tyr325Asp]AETKHFLYSS

ClinVar aggregate classification (germline): Uncertain significance. Review status: criteria provided, multiple submitters, no conflicts (2 of 4 stars). 2 submissions from 2 submitters: Uncertain significance (2). Last evaluated 2024-09-06.

Conditions:
Idiopathic Pulmonary Fibrosis. Also called: Idiopathic fibrosing alveolitis, chronic form; idiopathic fibrosing alveolitis. Identifiers: Orphanet 2032, MedGen C1800706, MeSH D054990, MONDO:0800504.
Dyskeratosis congenita, autosomal dominant 2. Identifiers: MedGen C3151443, MONDO:0013521, OMIM 613989.
Dyskeratosis congenita. Identifiers: Orphanet 1775, MedGen C0265965, MONDO:0015780.

Allele frequency attached by ClinVar (database versions not stated): gnomAD exomes below 0.00001.
gnomAD v4.1: 5 of 1,542,024 alleles (0.00032%); highest among the groups gnomAD compares: Non-Finnish European, 0.00044%; no homozygotes.

Submissions (2):

Ambry Genetics
Classification: Uncertain significance for Dyskeratosis congenita. Last evaluated: 2024-09-06. Review status: criteria provided, single submitter. Criteria: Ambry Variant Classification Scheme 2023. Collection method: clinical testing. Allele origin: germline.
Comment: The p.Y325D variant (also known as c.973T>G), located in coding exon 2 of the TERT gene, results from a T to G substitution at nucleotide position 973. The tyrosine at codon 325 is replaced by aspartic acid, an amino acid with highly dissimilar properties. This amino acid position is conserved. In addition, the in silico prediction for this alteration is inconclusive. Based on the available evidence, the clinical significance of this variant remains unclear.

Labcorp Genetics (formerly Invitae), Labcorp
Classification: Uncertain significance for Dyskeratosis congenita, autosomal dominant 2; Idiopathic Pulmonary Fibrosis. Last evaluated: 2020-07-20. Review status: criteria provided, single submitter. Criteria: Invitae Variant Classification Sherloc (09022015). Collection method: clinical testing. Allele origin: germline.
Comment: In summary, the available evidence is currently insufficient to determine the role of this variant in disease. Therefore, it has been classified as a Variant of Uncertain Significance. Algorithms developed to predict the effect of missense changes on protein structure and function (SIFT, PolyPhen-2, Align-GVGD) all suggest that this variant is likely to be tolerated, but these predictions have not been confirmed by published functional studies and their clinical significance is uncertain. This variant has not been reported in the literature in individuals with TERT-related disease. This variant is not present in population databases (ExAC no frequency). This sequence change replaces tyrosine with aspartic acid at codon 325 of the TERT protein (p.Tyr325Asp). The tyrosine residue is weakly conserved and there is a large physicochemical difference between tyrosine and aspartic acid.